The following is an entry in ClinVar:

ClinVar aggregate classification (germline): Uncertain significance (1 of 4 stars; one submission).

Allele frequency attached by ClinVar (database versions not stated): gnomAD exomes below 0.00001.
gnomAD v4.1: 1 of 1,613,576 alleles (0.000062%); highest among the groups gnomAD compares: Non-Finnish European, 0.000085%; no homozygotes.

Submission:

Labcorp Genetics (formerly Invitae), Labcorp
Classification: Uncertain significance. Last evaluated: 2021-08-04. Review status: criteria provided, single submitter. Criteria: Invitae Variant Classification Sherloc (09022015). Collection method: clinical testing. Allele origin: germline.
Comment: This variant has not been reported in the literature in individuals affected with RP1-related conditions. This variant is not present in population databases (ExAC no frequency). This sequence change replaces leucine with phenylalanine at codon 2125 of the RP1 protein (p.Leu2125Phe). The leucine residue is weakly conserved and there is a small physicochemical difference between leucine and phenylalanine. In summary, the available evidence is currently insufficient to determine the role of this variant in disease. Therefore, it has been classified as a Variant of Uncertain Significance. Algorithms developed to predict the effect of missense changes on protein structure and function output the following: SIFT: "Tolerated"; PolyPhen-2: "Benign"; Align-GVGD: "Class C0". The phenylalanine amino acid residue is found in multiple mammalian species, which suggests that this missense change does not adversely affect protein function.

NM_006269.2(RP1):c.6373C>T (p.Leu2125Phe)

Gene: RP1 (RP1 axonemal microtubule associated; plus strand). Cytogenetic location: 8q12.1.
Variant type: single nucleotide variant.
Coding change: c.6373C>T on transcript NM_006269.2 (MANE Select); coding-DNA position 6373, C replaced by T.
Protein change: p.Leu2125Phe; replaces leucine 2125 with phenylalanine.
Molecular consequence: missense variant. On other transcripts: intron variant (1).
Genome position (GRCh38, 1-based): chr8:54,630,255, C>T. VCF-style: chr8-54630255-C-T. GRCh37 (hg19) VCF-style: chr8-55542815-C-T.
Other names: c.787+7967C>T (NM_001375654.1); short protein forms L2125F.
Identifiers: ClinVar variation 1479310 (VCV001479310.6), dbSNP rs2129318689, ClinGen allele CA370991934.
Genomic context (GRCh38, chr8:54,630,255, plus strand): 5'-CTCTTAGATATTTGCCAAGTTGAGACCTCCTTAAATATTAGCAACAGAAATATTTTAGAA[C>T]TTTGTATGTTTGAGGGTGAAAATCTTTTCATTTGGGAAGAGGAAGACATATTAAATTTAA-3'
Protein context (NP_006260.1, residues 2115-2135): LNISNRNILE[Leu2125Phe]CMFEGENLFI